The following is an entry in ClinVar:

ClinVar aggregate classification (germline): Benign/Likely benign. Review status: criteria provided, multiple submitters, no conflicts (2 of 4 stars). 5 submissions from 5 submitters: Benign (3); Likely benign (2). Last evaluated 2026-09-01.

Conditions:
DZIP1L-related disorder. Also called: DZIP1L-related condition.

Allele frequency attached by ClinVar (database versions not stated): 1000 Genomes Project 0.00100; ESP Exome Variant Server 0.00115; gnomAD 0.00124 and 0.00131; 1000 Genomes Project 30x 0.00125; ExAC 0.00154; TOPMed 0.00163; gnomAD exomes 0.00179 and 0.00201.

Submissions (5):

CeGaT Center for Human Genetics Tuebingen
Classification: Likely benign. Last evaluated: 2026-09-01. Review status: criteria provided, single submitter. Criteria: CeGaT Center For Human Genetics Tuebingen Variant Classification Criteria Version 2. Collection method: clinical testing. Allele origin: germline. Affected: yes. Observed: 2 variant alleles.
Comment: DZIP1L: BP4, BS2

Labcorp Genetics (formerly Invitae), Labcorp
Classification: Benign. Last evaluated: 2026-01-08. Review status: criteria provided, single submitter. Criteria: Invitae Variant Classification Sherloc (09022015). Collection method: clinical testing. Allele origin: germline.

PreventionGenetics, part of Exact Sciences
Classification: Benign for DZIP1L-related condition. Last evaluated: 2025-10-28. Review status: criteria provided, single submitter. Criteria: ACMG Guidelines, 2015. Collection method: clinical testing. Allele origin: germline.
Comment: This variant is classified as benign based on ACMG/AMP sequence variant interpretation guidelines (Richards et al. 2015 PMID: 25741868, with internal and published modifications).

Blueprint Genetics
Classification: Likely benign. Last evaluated: 2024-11-26. Review status: criteria provided, single submitter. Criteria: ACMG Guidelines, 2015. Collection method: clinical testing. Allele origin: germline.

Breakthrough Genomics
Classification: Benign. Review status: criteria provided, single submitter. Criteria: ACMG Guidelines, 2015. Collection method: not provided. Allele origin: germline. Inheritance: Autosomal recessive inheritance. Affected: yes.

NM_173543.3(DZIP1L):c.1484G>A (p.Arg495Gln)

Gene: DZIP1L (DAZ interacting zinc finger protein 1 like; minus strand). Cytogenetic location: 3q22.3.
Variant type: single nucleotide variant.
Coding change: c.1484G>A on transcript NM_173543.3 (MANE Select); coding-DNA position 1484, G replaced by A.
Protein change: p.Arg495Gln; replaces arginine 495 with glutamine.
Molecular consequence: missense variant.
Genome position (GRCh38, 1-based): chr3:138,071,774, C>T on the plus strand (G>A on the coding strand, the complement: DZIP1L is on the minus strand). VCF-style: chr3-138071774-C-T. GRCh37 (hg19) VCF-style: chr3-137790616-C-T.
Other names: c.1484G>A (NM_173543.2); c.1484G>A, p.Arg495Gln (NM_001170538.1); short protein forms R495Q.
Identifiers: ClinVar variation 1533910 (VCV001533910.14), dbSNP rs150466957, ClinGen allele CA2634899.